The following is an entry in ClinVar:

NM_006445.4(PRPF8):c.3471C>T (p.Ile1157=)

Gene: PRPF8 (pre-mRNA processing factor 8; minus strand). Cytogenetic location: 17p13.3.
Variant type: single nucleotide variant.
Coding change: c.3471C>T on transcript NM_006445.4 (MANE Select); coding-DNA position 3471, C replaced by T.
Protein change: p.Ile1157=; no amino-acid change (isoleucine 1157 retained).
Molecular consequence: synonymous variant.
Genome position (GRCh38, 1-based): chr17:1,673,543, G>A on the plus strand (C>T on the coding strand, the complement: PRPF8 is on the minus strand). VCF-style: chr17-1673543-G-A. GRCh37 (hg19) VCF-style: chr17-1576837-G-A.
Other names: c.3471C>T (NM_006445.3).
Identifiers: ClinVar variation 1671093 (VCV001671093.10), dbSNP rs1341579474, ClinGen allele CA497389172.

ClinVar aggregate classification (germline): Likely benign. Review status: criteria provided, single submitter (1 of 4 stars). 2 submissions from 2 submitters: Likely benign (1). 1 of the submissions does not count toward it. Last evaluated 2022-11-15.

Conditions:
PRPF8-related disorder. Also called: PRPF8-related condition.

Allele frequency attached by ClinVar (database versions not stated): gnomAD exomes below 0.00001; TOPMed below 0.00001; gnomAD 0.00001.
gnomAD v4.1: 4 of 1,614,010 alleles (0.00025%); highest among the groups gnomAD compares: African/African-American, 0.004%; no homozygotes.

Submissions (2):

Labcorp Genetics (formerly Invitae), Labcorp
Classification: Likely benign. Last evaluated: 2022-11-15. Review status: criteria provided, single submitter. Criteria: Invitae Variant Classification Sherloc (09022015). Collection method: clinical testing. Allele origin: germline.

PreventionGenetics, part of Exact Sciences
Classification: Likely benign for PRPF8-related condition. Last evaluated: 2019-05-30. Review status: no assertion criteria provided. Collection method: clinical testing. Allele origin: germline. Not counted in ClinVar's aggregate classification.
Comment: This variant is classified as likely benign based on ACMG/AMP sequence variant interpretation guidelines (Richards et al. 2015 PMID: 25741868, with internal and published modifications).